The following is an entry in ClinVar:

ClinVar aggregate classification (germline): Uncertain significance (1 of 4 stars; one submission).

Conditions:
Generalized epilepsy-paroxysmal dyskinesia syndrome (PNKD3). Also called: Generalized epilepsy and paroxysmal dyskinesia; Paroxysmal nonkinesigenic dyskinesia, 3, with or without generalized epilepsy. Identifiers: Orphanet 79137, MedGen C5574945, MONDO:0012276, OMIM 609446.

Submission:

Labcorp Genetics (formerly Invitae), Labcorp
Classification: Uncertain significance for Generalized epilepsy-paroxysmal dyskinesia syndrome. Last evaluated: 2022-09-09. Review status: criteria provided, single submitter. Criteria: Invitae Variant Classification Sherloc (09022015). Collection method: clinical testing. Allele origin: germline.
Comment: Advanced modeling of protein sequence and biophysical properties (such as structural, functional, and spatial information, amino acid conservation, physicochemical variation, residue mobility, and thermodynamic stability) performed at Invitae indicates that this missense variant is expected to disrupt KCNMA1 protein function. This variant has not been reported in the literature in individuals affected with KCNMA1-related conditions. This variant is not present in population databases (gnomAD no frequency). This sequence change replaces histidine, which is basic and polar, with tyrosine, which is neutral and polar, at codon 529 of the KCNMA1 protein (p.His529Tyr). In summary, the available evidence is currently insufficient to determine the role of this variant in disease. Therefore, it has been classified as a Variant of Uncertain Significance.

NM_001161352.2(KCNMA1):c.1585C>T (p.His529Tyr)

Gene: KCNMA1 (potassium calcium-activated channel subfamily M alpha 1; minus strand). Cytogenetic location: 10q22.3.
Variant type: single nucleotide variant.
Coding change: c.1585C>T on transcript NM_001161352.2 (MANE Select); coding-DNA position 1585, C replaced by T.
Protein change: p.His529Tyr; replaces histidine 529 with tyrosine.
Molecular consequence: missense variant.
Genome position (GRCh38, 1-based): chr10:77,079,489, G>A on the plus strand (C>T on the coding strand, the complement: KCNMA1 is on the minus strand). VCF-style: chr10-77079489-G-A. GRCh37 (hg19) VCF-style: chr10-78839247-G-A.
Other names: c.1585C>T, p.His529Tyr (NM_001014797.3, NM_001161353.2, NM_001271519.2 and 8 more transcripts); c.1423C>T, p.His475Tyr (NM_001271518.2); c.1045C>T, p.His349Tyr (NM_001322838.2); short protein forms H349Y, H475Y, H529Y.
Identifiers: ClinVar variation 1719136 (VCV001719136.6), dbSNP rs2550746842, ClinGen allele CA377405902.